The following is an entry in ClinVar:

NM_007272.3(CTRC):c.358A>G (p.Asn120Asp)

Gene: CTRC (chymotrypsin C; plus strand). Cytogenetic location: 1p36.21.
Variant type: single nucleotide variant.
Coding change: c.358A>G on transcript NM_007272.3 (MANE Select); coding-DNA position 358, A replaced by G.
Protein change: p.Asn120Asp; replaces asparagine 120 with aspartic acid.
Molecular consequence: missense variant.
Genome position (GRCh38, 1-based): chr1:15,443,420, A>G. VCF-style: chr1-15443420-A-G. GRCh37 (hg19) VCF-style: chr1-15769915-A-G.
Other names: short protein forms N120D.
Identifiers: ClinVar variation 4235796 (VCV004235796.1).

ClinVar aggregate classification (germline): Uncertain significance (1 of 4 stars; one submission).

Conditions:
Hereditary pancreatitis (PCTT). Also called: Hereditary chronic pancreatitis; PRSS1-Related Hereditary Pancreatitis. Identifiers: Orphanet 676, MedGen C0238339, MONDO:0008185, OMIM 167800.

Submission:

Ambry Genetics
Classification: Uncertain significance for Hereditary pancreatitis. Last evaluated: 2025-07-12. Review status: criteria provided, single submitter. Criteria: Ambry Variant Classification Scheme 2023. Collection method: clinical testing. Allele origin: germline.
Comment: The p.N120D variant (also known as c.358A>G), located in coding exon 5 of the CTRC gene, results from an A to G substitution at nucleotide position 358. The asparagine at codon 120 is replaced by aspartic acid, an amino acid with highly similar properties. This amino acid position is conserved. In addition, the in silico prediction for this alteration is inconclusive. Based on the available evidence, the clinical significance of this variant remains unclear.